The following is an entry in ClinVar:

ClinVar aggregate classification (germline): Likely benign (1 of 4 stars; one submission).

Conditions:
XIST-related disorder. Also called: XIST-related condition.

gnomAD v4.1: 161 of 556,622 alleles (0.029%); highest among the groups gnomAD compares: African/African-American, 0.28%; 1 homozygote.

Submission:

PreventionGenetics, part of Exact Sciences
Classification: Likely benign for XIST-related condition. Last evaluated: 2026-02-04. Review status: criteria provided, single submitter. Criteria: ACMG Guidelines, 2015. Collection method: clinical testing. Allele origin: germline.
Comment: This variant is classified as likely benign based on ACMG/AMP sequence variant interpretation guidelines (Richards et al. 2015 PMID: 25741868, with internal and published modifications).

NR_001564.3(XIST):n.3178C>A

Gene: XIST (X inactive specific transcript; minus strand). Cytogenetic location: Xq13.2.
Variant type: single nucleotide variant.
Molecular consequence: non-coding transcript variant (on NR_001564.3).
Genome position: GRCh38 VCF-style: chrX-73849537-G-T. GRCh37 (hg19) VCF-style: chrX-73069372-G-T.
Identifiers: ClinVar variation 4980631 (VCV004980631.1).